The following is an entry in ClinVar:

NM_005909.5(MAP1B):c.2338G>A (p.Gly780Arg)

Gene: MAP1B (microtubule associated protein 1B; plus strand). Cytogenetic location: 5q13.2.
Variant type: single nucleotide variant.
Coding change: c.2338G>A on transcript NM_005909.5 (MANE Select); coding-DNA position 2338, G replaced by A.
Protein change: p.Gly780Arg; replaces glycine 780 with arginine.
Molecular consequence: missense variant.
Genome position (GRCh38, 1-based): chr5:72,195,693, G>A. VCF-style: chr5-72195693-G-A. GRCh37 (hg19) VCF-style: chr5-71491520-G-A.
Other names: c.1960G>A, p.Gly654Arg (NM_001324255.2); short protein forms G654R, G780R.
Identifiers: ClinVar variation 1309592 (VCV001309592.3), dbSNP rs1359055489, ClinGen allele CA360006160.

ClinVar aggregate classification (germline): Uncertain significance (1 of 4 stars; one submission).

Allele frequency attached by ClinVar (database versions not stated): TOPMed below 0.00001; gnomAD exomes 0.00001.
gnomAD v4.1: 10 of 1,614,212 alleles (0.00062%); highest among the groups gnomAD compares: Admixed American, 0.0017%; no homozygotes.

Submission:

GeneDx
Classification: Uncertain significance. Last evaluated: 2026-01-05. Review status: criteria provided, single submitter. Criteria: GeneDx Variant Classification Process June 2021. Collection method: clinical testing. Allele origin: germline. Affected: yes.
Comment: Not observed at significant frequency in large population cohorts (gnomAD); In silico analysis suggests that this missense variant does not alter protein structure/function; Has not been previously published as pathogenic or benign to our knowledge